The following is an entry in ClinVar:

ClinVar aggregate classification (germline): Uncertain significance. Review status: criteria provided, multiple submitters, no conflicts (2 of 4 stars). 2 submissions from 2 submitters: Uncertain significance (2). Last evaluated 2026-02-13.

Conditions:
Autosomal recessive limb-girdle muscular dystrophy type 2E (LGMDR4). Also called: MUSCULAR DYSTROPHY, LIMB-GIRDLE, AUTOSOMAL RECESSIVE 4. Identifiers: Orphanet 119, MedGen C1858593, MONDO:0011423, OMIM 604286. Disease mechanism: Affects gamma-sarcoglycan and also disrupts the integrity of the entire sarcoglycan complex..

gnomAD v4.1: 9 of 1,613,424 alleles (0.00056%); highest among the groups gnomAD compares: Admixed American, 0.0017%; no homozygotes.

Submissions (2):

Myriad Genetics, Inc.
Classification: Uncertain significance for Autosomal recessive limb-girdle muscular dystrophy type 2E. Last evaluated: 2026-02-13. Review status: criteria provided, single submitter. Criteria: Myriad Autosomal Dominant, Autosomal Recessive and X-Linked Classification Criteria (2023). Collection method: clinical testing. Allele origin: unknown.
Comment: NM_000232.4(SGCB):c.272G>A(R91H) is a missense variant classified as a variant of uncertain significance in the context of beta-sarcoglycanopathy. R91H has not been observed in cases with relevant disease. Relevant functional assessments of this variant are available in the literature (PMID: 37317968). R91H has been observed in referenced population frequency databases. In summary, there is insufficient evidence to classify NM_000232.4(SGCB):c.272G>A(R91H) as pathogenic or benign. Please note: this variant was assessed in the context of healthy population screening.

Revvity Omics, Revvity
Classification: Uncertain significance for Autosomal recessive limb-girdle muscular dystrophy type 2E. Last evaluated: 2023-12-05. Review status: criteria provided, single submitter. Criteria: ACMG Guidelines, 2015. Collection method: clinical testing. Allele origin: germline.

Literature cited by the submitters: PubMed 37317968 (cited by Myriad Genetics, Inc.).

NM_000232.5(SGCB):c.272G>A (p.Arg91His)

Gene: SGCB (sarcoglycan beta; minus strand). Cytogenetic location: 4q12.
Variant type: single nucleotide variant.
Coding change: c.272G>A on transcript NM_000232.5 (MANE Select); coding-DNA position 272, G replaced by A.
Protein change: p.Arg91His; replaces arginine 91 with histidine.
Molecular consequence: missense variant. On other transcripts: 5 prime UTR variant (1).
Genome position (GRCh38, 1-based): chr4:52,029,835, C>T on the plus strand (G>A on the coding strand, the complement: SGCB is on the minus strand). VCF-style: chr4-52029835-C-T. GRCh37 (hg19) VCF-style: chr4-52896001-C-T.
Other names: c.62G>A, p.Arg21His (NM_001440519.1); c.-26G>A (NM_001440520.1); short protein forms R21H, R91H.
Identifiers: ClinVar variation 4080031 (VCV004080031.2).